The following is an entry in ClinVar:

ClinVar aggregate classification (germline): Uncertain significance (1 of 4 stars; one submission).

Conditions:
Hypertrophic cardiomyopathy. Also called: HYPERTROPHIC MYOCARDIOPATHY. Identifiers: Orphanet 217569, MedGen C0007194, MeSH D002312, MONDO:0005045, HP:0001639.

Submission:

Labcorp Genetics (formerly Invitae), Labcorp
Classification: Uncertain significance for Hypertrophic cardiomyopathy. Last evaluated: 2022-04-29. Review status: criteria provided, single submitter. Criteria: Invitae Variant Classification Sherloc (09022015). Collection method: clinical testing. Allele origin: germline.
Comment: In summary, the available evidence is currently insufficient to determine the role of this variant in disease. Therefore, it has been classified as a Variant of Uncertain Significance. Variants that disrupt the consensus splice site are a relatively common cause of aberrant splicing (PMID: 17576681, 9536098). Algorithms developed to predict the effect of sequence changes on RNA splicing suggest that this variant may create or strengthen a splice site. This variant has not been reported in the literature in individuals affected with MYH7-related conditions. This variant is present in population databases (rs752028408, gnomAD 0.002%). This sequence change falls in intron 12 of the MYH7 gene. It does not directly change the encoded amino acid sequence of the MYH7 protein. It affects a nucleotide within the consensus splice site.

Literature cited by the submitters: PubMed 17576681; PubMed 9536098.

NM_000257.4(MYH7):c.1138+5del

Gene: MYH7 (myosin heavy chain 7; minus strand). Cytogenetic location: 14q11.2.
Variant type: Deletion.
Coding change: c.1138+5del on transcript NM_000257.4 (MANE Select); 5 bases into the intron after coding-DNA position 1138, one base deleted (G; older notation c.1138+5delG).
Molecular consequence: intron variant.
Genome position (GRCh38, 1-based): chr14:23,429,770, C deleted on the plus strand (G on the coding strand, the reverse complement: MYH7 is on the minus strand); the first of 3 consecutive C bases (chr14:23,429,770-23,429,772); deleting any one gives the same sequence. VCF-style (leftmost placement, unchanged base first): chr14-23429769-TC-T. GRCh37 (hg19) VCF-style: chr14-23898978-TC-T.
Identifiers: ClinVar variation 2131938 (VCV002131938.4), dbSNP rs752028408, ClinGen allele CA027682.